The following is an entry in ClinVar:

ClinVar aggregate classification (germline): Benign/Likely benign. Review status: criteria provided, multiple submitters, no conflicts (2 of 4 stars). 11 submissions from 10 submitters: Benign (3); Likely benign (7). 1 of the submissions does not count toward it. Last evaluated 2026-01-26.

Conditions:
Retinitis pigmentosa 39 (RP39). Identifiers: Orphanet 791, MedGen C3151138, MONDO:0013436, OMIM 613809.
Usher syndrome type 2A. Also called: USHER SYNDROME, TYPE IIA; RETINAL DISEASE IN USHER SYNDROME TYPE IIA, MODIFIER OF. Identifiers: Orphanet 231178, Orphanet 886, MedGen C1848634, MONDO:0010169, OMIM 276901.

Allele frequency attached by ClinVar (database versions not stated): gnomAD exomes 0.00024 and 0.00055; ExAC 0.00072; 1000 Genomes Project 0.00180; 1000 Genomes Project 30x 0.00187; gnomAD 0.00255 and 0.00275; TOPMed 0.00272; ESP Exome Variant Server 0.00338.
gnomAD v4.1: 740 of 1,614,156 alleles (0.046%); highest among the groups gnomAD compares: African/African-American, 0.9%; 5 homozygotes.

Submissions (11):

Labcorp Genetics (formerly Invitae), Labcorp
Classification: Likely benign. Last evaluated: 2026-01-26. Review status: criteria provided, single submitter. Criteria: Invitae Variant Classification Sherloc (09022015). Collection method: clinical testing. Allele origin: germline.

Blueprint Genetics
Classification: Likely benign. Last evaluated: 2024-10-18. Review status: criteria provided, single submitter. Criteria: ACMG Guidelines, 2015. Collection method: clinical testing. Allele origin: germline.

Genome-Nilou Lab
Classification: Likely benign for Retinitis pigmentosa 39. Last evaluated: 2023-11-04. Review status: criteria provided, single submitter. Criteria: ACMG Guidelines, 2015. Collection method: clinical testing. Allele origin: germline. Affected: no.

Genome-Nilou Lab
Classification: Likely benign for Usher syndrome type 2A. Last evaluated: 2023-11-04. Review status: criteria provided, single submitter. Criteria: ACMG Guidelines, 2015. Collection method: clinical testing. Allele origin: germline. Affected: no.

Women's Health and Genetics/Laboratory Corporation of America, LabCorp
Classification: Benign. Last evaluated: 2022-05-11. Review status: criteria provided, single submitter. Criteria: LabCorp Variant Classification Summary - May 2015. Collection method: clinical testing. Allele origin: germline.

GeneDx
Classification: Likely benign. Last evaluated: 2020-12-10. Review status: criteria provided, single submitter. Criteria: GeneDx Variant Classification Process June 2021. Collection method: clinical testing. Allele origin: germline. Affected: yes.
Comment: This variant is associated with the following publications: (PMID: 25097241, 26969326)

ARUP Laboratories, Molecular Genetics and Genomics, ARUP Laboratories
Classification: Likely benign. Last evaluated: 2018-12-12. Review status: criteria provided, single submitter. Criteria: ARUP Molecular Germline Variant Investigation Process. Collection method: clinical testing. Allele origin: germline.

Eurofins Ntd Llc (ga)
Classification: Benign. Last evaluated: 2014-09-15. Review status: criteria provided, single submitter. Criteria: EGL Classification Definitions 2015. Collection method: clinical testing. Allele origin: germline. Observed: 1 variant allele, 1 heterozygote.

Laboratory for Molecular Medicine, Mass General Brigham Personalized Medicine
Classification: Benign. Last evaluated: 2011-10-03. Review status: criteria provided, single submitter. Criteria: LMM Criteria. Collection method: clinical testing. Allele origin: germline. Observed: 4 variant alleles.

Breakthrough Genomics
Classification: Likely benign. Review status: criteria provided, single submitter. Criteria: ACMG Guidelines, 2015. Collection method: not provided. Allele origin: germline. Inheritance: Autosomal recessive inheritance. Affected: yes.

Natera, Inc.
Classification: Benign for Usher syndrome type 2A. Last evaluated: 2020-05-03. Review status: no assertion criteria provided. Collection method: clinical testing. Allele origin: germline. Not counted in ClinVar's aggregate classification.

NM_206933.4(USH2A):c.10858A>G (p.Ile3620Val)

Gene: USH2A (usherin; minus strand). Cytogenetic location: 1q41.
Variant type: single nucleotide variant.
Coding change: c.10858A>G on transcript NM_206933.4 (MANE Select); coding-DNA position 10858, A replaced by G.
Protein change: p.Ile3620Val; replaces isoleucine 3620 with valine.
Molecular consequence: missense variant.
Genome position (GRCh38, 1-based): chr1:215,779,924, T>C on the plus strand (A>G on the coding strand, the complement: USH2A is on the minus strand). VCF-style: chr1-215779924-T-C. GRCh37 (hg19) VCF-style: chr1-215953266-T-C.
Other names: short protein forms I3620V.
Identifiers: ClinVar variation 48361 (VCV000048361.34), dbSNP rs145207584, ClinGen allele CA143237.
Genomic context (GRCh38, chr1:215,779,924, plus strand): 5'-TGTCAGTGGTGTCAGTGTGGATGAGACCTTTCCCAACCTGCCTGATCTGGTACTCTTTAA[T>C]GACGCCGTTTGATTTCTCAGGGACACTCCAGCTCAGATGCAGAGCCACTGCACTTAGGGC-3'
Protein context (NP_996816.3, residues 3610-3630): WSVPEKSNGV[Ile3620Val]KEYQIRQVGK